The following is an entry in ClinVar:

ClinVar aggregate classification (germline): Uncertain significance. Review status: criteria provided, multiple submitters, no conflicts (2 of 4 stars). 3 submissions from 3 submitters: Uncertain significance (2). 1 of the submissions does not count toward it. Last evaluated 2025-08-21.

Conditions:
Inborn genetic diseases. Identifiers: MedGen C0950123, MeSH D030342.
Glycogen storage disease, type V (GSD5). Also called: MCARDLE DISEASE; MUSCLE GLYCOGEN PHOSPHORYLASE DEFICIENCY; MYOPHOSPHORYLASE DEFICIENCY; PYGM DEFICIENCY; McArdle type glycogen storage disease. Identifiers: Orphanet 368, MedGen C0017924, MONDO:0009293, OMIM 232600.

Allele frequency attached by ClinVar (database versions not stated): ExAC 0.00001; gnomAD 0.00001; gnomAD exomes 0.00001 and 0.00002; TOPMed 0.00002.
gnomAD v4.1: 21 of 1,613,776 alleles (0.0013%); highest among the groups gnomAD compares: Admixed American, 0.0067%; no homozygotes.

Submissions (3):

Ambry Genetics
Classification: Uncertain significance for Inborn genetic diseases. Last evaluated: 2025-08-21. Review status: criteria provided, single submitter. Criteria: Ambry Variant Classification Scheme 2023. Collection method: clinical testing. Allele origin: germline.

Labcorp Genetics (formerly Invitae), Labcorp
Classification: Uncertain significance for Glycogen storage disease, type V. Last evaluated: 2024-11-04. Review status: criteria provided, single submitter. Criteria: Invitae Variant Classification Sherloc (09022015). Collection method: clinical testing. Allele origin: germline.
Comment: This sequence change replaces arginine, which is basic and polar, with cysteine, which is neutral and slightly polar, at codon 310 of the PYGM protein (p.Arg310Cys). This variant is present in population databases (rs778061067, gnomAD 0.009%). This variant has not been reported in the literature in individuals affected with PYGM-related conditions. ClinVar contains an entry for this variant (Variation ID: 992147). Invitae Evidence Modeling of protein sequence and biophysical properties (such as structural, functional, and spatial information, amino acid conservation, physicochemical variation, residue mobility, and thermodynamic stability) indicates that this missense variant is expected to disrupt PYGM protein function with a positive predictive value of 95%. In summary, the available evidence is currently insufficient to determine the role of this variant in disease. Therefore, it has been classified as a Variant of Uncertain Significance.

Natera, Inc.
Classification: Uncertain significance for Glycogen storage disease V. Last evaluated: 2020-04-14. Review status: no assertion criteria provided. Collection method: clinical testing. Allele origin: germline. Not counted in ClinVar's aggregate classification.

NM_005609.4(PYGM):c.928C>T (p.Arg310Cys)

Gene: PYGM (glycogen phosphorylase, muscle associated; minus strand). Cytogenetic location: 11q13.1.
Variant type: single nucleotide variant.
Coding change: c.928C>T on transcript NM_005609.4 (MANE Select); coding-DNA position 928, C replaced by T.
Protein change: p.Arg310Cys; replaces arginine 310 with cysteine.
Molecular consequence: missense variant.
Genome position (GRCh38, 1-based): chr11:64,754,764, G>A on the plus strand (C>T on the coding strand, the complement: PYGM is on the minus strand). VCF-style: chr11-64754764-G-A. GRCh37 (hg19) VCF-style: chr11-64522236-G-A.
Other names: c.928C>T (NM_005609.2); c.664C>T, p.Arg222Cys (NM_001164716.1); short protein forms R222C, R310C.
Identifiers: ClinVar variation 992147 (VCV000992147.5), dbSNP rs778061067, ClinGen allele CA6080075.